The following is an entry in ClinVar:

ClinVar aggregate classification (germline): Pathogenic (1 of 4 stars; one submission).

Conditions:
Neurofibromatosis, type 1 (NF1). Also called: Peripheral type neurofibromatosis; VON RECKLINGHAUSEN DISEASE; NEUROFIBROMATOSIS, TYPE I, SOMATIC; Neurofibromatosis, type I. Identifiers: Orphanet 636, MedGen C0027831, MONDO:0018975, OMIM 162200. Disease mechanism: loss of function.

Submission:

Labcorp Genetics (formerly Invitae), Labcorp
Classification: Pathogenic for Neurofibromatosis, type 1. Last evaluated: 2025-04-16. Review status: criteria provided, single submitter. Criteria: Invitae Variant Classification Sherloc (09022015). Collection method: clinical testing. Allele origin: germline.
Comment: This sequence change creates a premature translational stop signal (p.Thr2423Serfs*3) in the NF1 gene. It is expected to result in an absent or disrupted protein product. Loss-of-function variants in NF1 are known to be pathogenic (PMID: 10712197, 23913538). This variant is not present in population databases (gnomAD no frequency). This premature translational stop signal has been observed in individual(s) with neurofibromatosis type 1 (PMID: 10712197). ClinVar contains an entry for this variant (Variation ID: 2138001). For these reasons, this variant has been classified as Pathogenic.

Literature cited by the submitters: PubMed 10712197; PubMed 23913538.

NM_001042492.3(NF1):c.7331_7332del (p.Thr2444fs)

Gene: NF1 (neurofibromin 1; plus strand). Cytogenetic location: 17q11.2.
Variant type: Deletion.
Coding change: c.7331_7332del on transcript NM_001042492.3 (MANE Select); coding-DNA positions 7331 to 7332, 2 bases deleted (CA; older notation c.7331_7332delCA).
Protein change: p.Thr2444fs; shifts the reading frame from threonine 2444.
Molecular consequence: frameshift variant.
Genome position (GRCh38, 1-based): chr17:31,350,192-31,350,193, CA deleted; deleting any 2 consecutive bases within chr17:31,350,191-31,350,193 gives the same sequence; the c. name uses the placement nearest the transcript's 3' end. VCF-style (leftmost placement, unchanged base first): chr17-31350190-TAC-T. GRCh37 (hg19) VCF-style: chr17-29677208-TAC-T.
Other names: c.7268_7269delCA, p.Thr2423Serfs (NM_000267.4); short protein forms T2444fs, T2423fs.
Identifiers: ClinVar variation 2138001 (VCV002138001.4), dbSNP rs2508805085, ClinGen allele CA2580093363.